The following continues an entry in ClinVar:

NM_000303.3(PMM2):c.442G>A (p.Asp148Asn)

Gene: PMM2. ClinVar aggregate classification (germline): Pathogenic/Likely pathogenic. Pathogenic (10); Likely pathogenic (3).

Submissions 11 to 14 of 14:

Center for Pediatric Genomic Medicine, Children's Mercy Hospital and Clinics
Classification: Pathogenic. Last evaluated: 2017-09-05. Review status: criteria provided, single submitter. Criteria: ACMG Guidelines, 2015. Collection method: clinical testing. Allele origin: germline.

Ambry Genetics
Classification: Pathogenic for Inborn genetic diseases. Last evaluated: 2016-09-16. Review status: criteria provided, single submitter. Criteria: Ambry exome assertion method (8-5-2015). Collection method: clinical testing. Allele origin: germline. Affected: yes. Observed: 1 variant allele.

Eurofins Ntd Llc (ga)
Classification: Pathogenic. Last evaluated: 2014-06-04. Review status: criteria provided, single submitter. Criteria: EGL Classification Definitions 2015. Collection method: clinical testing. Allele origin: germline. Observed: 3 variant alleles, 3 heterozygotes.

Department of Pathology and Laboratory Medicine, Sinai Health System
Classification: Pathogenic. Review status: no assertion criteria provided. Collection method: clinical testing. Allele origin: unknown. Affected: yes. Study: The Canadian Open Genetics Repository (COGR). Not counted in ClinVar's aggregate classification.
Comment: The PMM2 p.D148N variant was identified in 2 of 36 proband chromosomes (frequency: 0.056) from families with congenital disorders of glycosylation (CDG) type 1A (Imtiaz_2000_PMID:10801058; Westphal_2001_PMID:11715002). The variant was identified in dbSNP (ID: rs148032587), ClinVar (classified as likely pathogenic by Counsyl and as pathogenic by Invitae, Ambry Genetics, EGL Genetics and the Center for Pediatric Genomic Medicine at Children's Mercy Hospital and Clinics) and LOVD 3.0 (classified as pathogenic). The variant was also identified in control databases in 32 of 207784 chromosomes at a frequency of 0.000154 (Genome Aggregation Database Feb 27, 2017). The variant was observed in the following populations: European (non-Finnish) in 26 of 86006 chromosomes (freq: 0.000302), African in 4 of 19396 chromosomes (freq: 0.000206) and South Asian in 2 of 24218 chromosomes (freq: 0.000083), but was not observed in the Latino, Ashkenazi Jewish, East Asian, European (Finnish) or Other populations. The variant occurs outside of the splicing consensus sequence and in silico or computational prediction software programs (SpliceSiteFinder, MaxEntScan, NNSPLICE, GeneSplicer) do not predict a difference in splicing. Although computational analyses (PolyPhen-2, SIFT, AlignGVGD, BLOSUM, MutationTaster) provide inconsistent predictions regarding the impact to the protein, the p.D148 residue is highly conserved in mammals and other organisms. Further, expression of a vector carrying the p.D148N variant showed decreased PMM activity compared to wildtype (Westphal_2001_PMID:11715002). In summary, based on the above information this variant meets our laboratoryâ€šÃ„Ã´s criteria to be classified as pathogenic.

Literature cited by the submitters: PubMed 10801058 (cited by 5 submitters); PubMed 11715002 (cited by 5 submitters); PubMed 18203160 (cited by 4 submitters); PubMed 20301289 (cited by Victorian Clinical Genetics Services, Murdoch Childrens Research Institute); PubMed 11058895 (cited by Women's Health and Genetics/Laboratory Corporation of America, LabCorp); PubMed 21949237 (cited by Women's Health and Genetics/Laboratory Corporation of America, LabCorp); PubMed 32635232 (cited by Women's Health and Genetics/Laboratory Corporation of America, LabCorp and Myriad Genetics, Inc.); PubMed 33413482 (cited by Myriad Genetics, Inc.).